The following is an entry in ClinVar:

NM_000540.3(RYR1):c.6797-1G>A

Gene: RYR1 (ryanodine receptor 1; plus strand). Cytogenetic location: 19q13.2.
Variant type: single nucleotide variant.
Coding change: c.6797-1G>A on transcript NM_000540.3 (MANE Select); the canonical splice acceptor site of the intron before coding-DNA position 6797, G replaced by A.
Molecular consequence: splice acceptor variant.
Genome position (GRCh38, 1-based): chr19:38,496,859, G>A. VCF-style: chr19-38496859-G-A. GRCh37 (hg19) VCF-style: chr19-38987499-G-A.
Other names: c.6797-1G>A (NM_001042723.2).
Identifiers: ClinVar variation 1067810 (VCV001067810.10), dbSNP rs1221087983, ClinGen allele CA405666450.

ClinVar aggregate classification (germline): Conflicting classifications of pathogenicity. Review status: criteria provided, conflicting classifications (1 of 4 stars). 3 submissions from 3 submitters: Pathogenic (1); Likely pathogenic (1); Uncertain significance (1). Last evaluated 2025-06-24.

Conditions:
RYR1-related disorder. Also called: RYR1-related condition; RYR1-related disorders. Identifiers: MedGen CN239331.
Malignant hyperthermia, susceptibility to, 1 (MHS1). Also called: Anesthesia related hyperthermia; Malignant hyperpyrexia; Fulminating hyperpyrexia; Pharmacogenic myopathy; RYR1-Related Malignant Hyperthermia Susceptibility; Malignant hyperthermia suceptibility 1. Identifiers: Orphanet 423, MedGen C2930980, MONDO:0007783, OMIM 145600.

Allele frequency attached by ClinVar (database versions not stated): gnomAD 0.00001.
gnomAD v4.1: 2 of 1,611,314 alleles (0.00012%); highest among the groups gnomAD compares: African/African-American, 0.0013%; no homozygotes.

Submissions (3):

Color Diagnostics, LLC DBA Color Health
Classification: Uncertain significance for Malignant hyperthermia, susceptibility to, 1. Last evaluated: 2025-06-24. Review status: criteria provided, single submitter. Criteria: ACMG Guidelines, 2015. Collection method: clinical testing. Allele origin: germline.
Comment: This variant causes a G to A substitution at the -1 position of intron 41 in the RYR1 protein. To our knowledge, RNA studies have not been reported for this variant. This variant has not been reported in individuals affected with autosomal dominant malignant hyperthermia in the literature. This variant has been identified in 1/31372 chromosomes in the general population by the Genome Aggregation Database (gnomAD). Loss of RYR1 function due to disruption of canonical splice sites is not an established disease mechanism for autosomal dominant malignant hyperthermia, although it is associated with other phenotype(s) (ClinVar Variation ID: 1067810). Therefore, this variant is classified as a Variant of Uncertain Significance for autosomal dominant malignant hyperthermia.

Labcorp Genetics (formerly Invitae), Labcorp
Classification: Likely pathogenic for RYR1-related disorder. Last evaluated: 2025-05-18. Review status: criteria provided, single submitter. Criteria: Invitae Variant Classification Sherloc (09022015). Collection method: clinical testing. Allele origin: germline.
Comment: This sequence change affects an acceptor splice site in intron 41 of the RYR1 gene. It is expected to disrupt RNA splicing. Variants that disrupt the donor or acceptor splice site typically lead to a loss of protein function (PMID: 16199547), and loss-of-function variants in RYR1 are known to be pathogenic (PMID: 23919265, 25960145, 28818389, 30611313). This variant is present in population databases (no rsID available, gnomAD 0.01%). This variant has not been reported in the literature in individuals affected with RYR1-related conditions. ClinVar contains an entry for this variant (Variation ID: 1067810). Algorithms developed to predict the effect of sequence changes on RNA splicing suggest that this variant may disrupt the consensus splice site. In summary, the currently available evidence indicates that the variant is pathogenic, but additional data are needed to prove that conclusively. Therefore, this variant has been classified as Likely Pathogenic.

Revvity Omics, Revvity
Classification: Pathogenic. Last evaluated: 2019-09-10. Review status: criteria provided, single submitter. Criteria: ACMG Guidelines, 2015. Collection method: clinical testing. Allele origin: germline.

Literature cited by the submitters: PubMed 16199547 (cited by Labcorp Genetics (formerly Invitae), Labcorp); PubMed 23919265 (cited by Labcorp Genetics (formerly Invitae), Labcorp); PubMed 25960145 (cited by Labcorp Genetics (formerly Invitae), Labcorp); PubMed 28818389 (cited by Labcorp Genetics (formerly Invitae), Labcorp); PubMed 30611313 (cited by Labcorp Genetics (formerly Invitae), Labcorp).